The following is an entry in ClinVar:

ClinVar aggregate classification (germline): Uncertain significance (1 of 4 stars; one submission).

Submission:

Labcorp Genetics (formerly Invitae), Labcorp
Classification: Uncertain significance. Last evaluated: 2023-04-10. Review status: criteria provided, single submitter. Criteria: Invitae Variant Classification Sherloc (09022015). Collection method: clinical testing. Allele origin: germline.
Comment: In summary, the available evidence is currently insufficient to determine the role of this variant in disease. Therefore, it has been classified as a Variant of Uncertain Significance. Advanced modeling of protein sequence and biophysical properties (such as structural, functional, and spatial information, amino acid conservation, physicochemical variation, residue mobility, and thermodynamic stability) performed at Invitae indicates that this missense variant is expected to disrupt EBP protein function. This variant has not been reported in the literature in individuals affected with EBP-related conditions. This variant is not present in population databases (gnomAD no frequency). This sequence change replaces alanine, which is neutral and non-polar, with proline, which is neutral and non-polar, at codon 139 of the EBP protein (p.Ala139Pro).

NM_006579.3(EBP):c.415G>C (p.Ala139Pro)

Gene: EBP (EBP cholestenol delta-isomerase; plus strand). Cytogenetic location: Xp11.23.
Variant type: single nucleotide variant.
Coding change: c.415G>C on transcript NM_006579.3 (MANE Select); coding-DNA position 415, G replaced by C.
Protein change: p.Ala139Pro; replaces alanine 139 with proline.
Molecular consequence: missense variant.
Genome position (GRCh38, 1-based): chrX:48,527,231, G>C. VCF-style: chrX-48527231-G-C. GRCh37 (hg19) VCF-style: chrX-48385619-G-C.
Other names: short protein forms A139P.
Identifiers: ClinVar variation 2853905 (VCV002853905.3), dbSNP rs147961959, ClinGen allele CA412852565.